The following is an entry in ClinVar:

ClinVar aggregate classification (germline): Conflicting classifications of pathogenicity. Review status: criteria provided, conflicting classifications (1 of 4 stars). 6 submissions from 6 submitters: Uncertain significance (1); Benign (2); Likely benign (2). 1 of the submissions does not count toward it. Last evaluated 2026-01-19.

Conditions:
Autosomal recessive nonsyndromic hearing loss 77. Identifiers: Orphanet 90636, MedGen C2746083, MONDO:0013119, OMIM 613079.

Allele frequency attached by ClinVar (database versions not stated): gnomAD exomes 0.00010 and 0.00059; gnomAD 0.00026 and 0.00033; TOPMed 0.00026; ExAC 0.00038; 1000 Genomes Project 30x 0.00250; 1000 Genomes Project 0.00260.
gnomAD v4.1: 195 of 1,552,188 alleles (0.013%); highest among the groups gnomAD compares: East Asian, 0.4%; 3 homozygotes.

Submissions (6):

Labcorp Genetics (formerly Invitae), Labcorp
Classification: Benign. Last evaluated: 2026-01-19. Review status: criteria provided, single submitter. Criteria: Invitae Variant Classification Sherloc (09022015). Collection method: clinical testing. Allele origin: germline.

GeneDx
Classification: Likely benign. Last evaluated: 2025-11-04. Review status: criteria provided, single submitter. Criteria: GeneDx Variant Classification Process June 2021. Collection method: clinical testing. Allele origin: germline. Affected: yes.
Comment: See Variant Classification Assertion Criteria.

Blueprint Genetics
Classification: Likely benign. Last evaluated: 2023-05-15. Review status: criteria provided, single submitter. Criteria: ACMG Guidelines, 2015. Collection method: clinical testing. Allele origin: germline.

Illumina Laboratory Services, Illumina
Classification: Uncertain significance for Autosomal recessive nonsyndromic hearing loss 77. Last evaluated: 2018-01-13. Review status: criteria provided, single submitter. Criteria: ICSL Variant Classification Criteria 13 December 2019. Collection method: clinical testing. Allele origin: germline.

Laboratory for Molecular Medicine, Mass General Brigham Personalized Medicine
Classification: Benign. Last evaluated: 2017-10-26. Review status: criteria provided, single submitter. Criteria: LMM Criteria. Collection method: clinical testing. Allele origin: germline. Observed: 1 variant allele.
Comment: p.Lys438Arg in exon 10 of LOXHD1: This variant is not expected to have clinical significance because it has been identified in 0.8% (95/11866) of East Asian chr omosomes by the Genome Aggregation Database (gnomAD; dbSNP rs186138859).

Natera, Inc.
Classification: Likely benign for Autosomal recessive deafness type 77. Last evaluated: 2019-12-13. Review status: no assertion criteria provided. Collection method: clinical testing. Allele origin: germline. Not counted in ClinVar's aggregate classification.

NM_001384474.1(LOXHD1):c.1313A>G (p.Lys438Arg)

Gene: LOXHD1 (lipoxygenase homology PLAT domains 1; minus strand). Cytogenetic location: 18q21.1.
Variant type: single nucleotide variant.
Coding change: c.1313A>G on transcript NM_001384474.1 (MANE Select); coding-DNA position 1313, A replaced by G.
Protein change: p.Lys438Arg; replaces lysine 438 with arginine.
Molecular consequence: missense variant.
Genome position (GRCh38, 1-based): chr18:46,593,718, T>C on the plus strand (A>G on the coding strand, the complement: LOXHD1 is on the minus strand). VCF-style: chr18-46593718-T-C. GRCh37 (hg19) VCF-style: chr18-44173681-T-C.
Other names: c.1313A>G, p.Lys438Arg (NM_144612.7); short protein forms K438R.
Identifiers: ClinVar variation 517560 (VCV000517560.24), dbSNP rs186138859, ClinGen allele CA8952817.